The following is an entry in ClinVar:

NC_000016.9:g.(?_89842140)_(89842233_?)del

Gene: FANCA (FA complementation group A; minus strand). Cytogenetic location: 16q24.3.
Variant type: Deletion.
Identifiers: ClinVar variation 1071160 (VCV001071160.7).

ClinVar aggregate classification (germline): Pathogenic (1 of 4 stars; one submission).

Conditions:
Fanconi anemia (FA). Also called: Fanconi's anemia. Identifiers: Orphanet 84, MedGen C0015625, MeSH D005199, MONDO:0019391.

Submission:

Labcorp Genetics (formerly Invitae), Labcorp
Classification: Pathogenic for Fanconi anemia. Last evaluated: 2022-04-19. Review status: criteria provided, single submitter. Criteria: Invitae Variant Classification Sherloc (09022015). Collection method: clinical testing. Allele origin: germline.
Comment: This variant is a gross deletion of the genomic region encompassing exon(s) 21 of the FANCA gene. This deletion is out-of-frame, and is expected to create a premature termination codon and result in an absent or disrupted protein product. Loss-of-function variants in FANCA are known to be pathogenic (PMID: 19367192). A similar copy number variant has been observed in individual(s) with Fanconi anemia (PMID: 21659346, 22778927). This variant is also known as c.1827-?_1900+?del and ex21del. For these reasons, this variant has been classified as Pathogenic.

Literature cited by the submitters: PubMed 19367192; PubMed 21659346; PubMed 22778927.